The following is an entry in ClinVar:

NM_000789.4(ACE):c.2266G>A (p.Val756Met)

Gene: ACE (angiotensin I converting enzyme; plus strand). Cytogenetic location: 17q23.3.
Variant type: single nucleotide variant.
Coding change: c.2266G>A on transcript NM_000789.4 (MANE Select); coding-DNA position 2266, G replaced by A.
Protein change: p.Val756Met; replaces valine 756 with methionine.
Molecular consequence: missense variant. On other transcripts: non-coding transcript variant (1).
Genome position (GRCh38, 1-based): chr17:63,487,034, G>A. VCF-style: chr17-63487034-G-A. GRCh37 (hg19) VCF-style: chr17-61564395-G-A.
Other names: c.544G>A, p.Val182Met (NM_001178057.2, NM_152830.3); c.1699G>A, p.Val567Met (NM_001382700.1); c.1414G>A, p.Val472Met (NM_001382701.1); c.196G>A, p.Val66Met (NM_001382702.1); short protein forms V66M, V756M, V472M, V182M, V567M.
Identifiers: ClinVar variation 2242399 (VCV002242399.3), dbSNP rs773578992, ClinGen allele CA400556802.

ClinVar aggregate classification (germline): Uncertain significance. Review status: criteria provided, single submitter (1 of 4 stars). 2 submissions from 2 submitters: Uncertain significance (1). 1 of the submissions does not count toward it. Last evaluated 2021-08-10.

Conditions:
ACE-related disorder. Also called: ACE-related condition; ACE-related disorders.
Inborn genetic diseases. Identifiers: MedGen C0950123, MeSH D030342.

Submissions (2):

Ambry Genetics
Classification: Uncertain significance for Inborn genetic diseases. Last evaluated: 2021-08-10. Review status: criteria provided, single submitter. Criteria: Ambry Variant Classification Scheme 2023. Collection method: clinical testing. Allele origin: germline.

PreventionGenetics, part of Exact Sciences
Classification: Uncertain significance for ACE-related condition. Last evaluated: 2024-03-27. Review status: no assertion criteria provided. Collection method: clinical testing. Allele origin: germline. Not counted in ClinVar's aggregate classification.
Comment: The ACE c.2266G>A variant is predicted to result in the amino acid substitution p.Val756Met. To our knowledge, this variant has not been reported in the literature or in a large population database, indicating this variant is rare. At this time, the clinical significance of this variant is uncertain due to the absence of conclusive functional and genetic evidence.